The following is an entry in ClinVar:

ClinVar aggregate classification (germline): Uncertain significance. Review status: criteria provided, multiple submitters, no conflicts (2 of 4 stars). 9 submissions from 5 submitters: Uncertain significance (9). Last evaluated 2025-10-22.

Conditions:
TTN-related disorder. Also called: TTN-related condition; TTN-related disease; TTN-related disorders.
Early-onset myopathy with fatal cardiomyopathy (CMYO5). Also called: Salih Myopathy; CONGENITAL MYOPATHY 5 WITH CARDIOMYOPATHY. Identifiers: Orphanet 289377, MedGen C2673677, MONDO:0012714, OMIM 611705. Disease mechanism: loss of function.
Dilated cardiomyopathy 1G (CMD1G). Identifiers: Orphanet 154, MedGen C1858763, MONDO:0011400, OMIM 604145.
Autosomal recessive limb-girdle muscular dystrophy type 2J (LGMDR10). Also called: Limb-girdle muscular dystrophy, type 2J; MUSCULAR DYSTROPHY, LIMB-GIRDLE, AUTOSOMAL RECESSIVE 10. Identifiers: Orphanet 140922, MedGen C1837342, MONDO:0012127, OMIM 608807.
Tibial muscular dystrophy (TMD). Also called: Tibial muscular dystrophy, tardive; Udd Distal Myopathy – Tibial Muscular Dystrophy; UDD MYOPATHY. Identifiers: Orphanet 609, MedGen C1838244, MONDO:0010870, OMIM 600334.
Myopathy, myofibrillar, 9, with early respiratory failure (MFM9). Also called: Myopathy, distal, with early respiratory failure, autosomal dominant; MYOPATHY, PROXIMAL, WITH EARLY RESPIRATORY MUSCLE INVOLVEMENT; Hereditary myopathy with early respiratory failure; EDSTROM MYOPATHY. Identifiers: Orphanet 178464, Orphanet 34521, MedGen C1863599, MONDO:0011362, OMIM 603689.
Hypertrophic cardiomyopathy 9. Also called: Familial hypertrophic cardiomyopathy 9. Identifiers: MedGen C1861065, MONDO:0013412, OMIM 613765.

Allele frequency attached by ClinVar (database versions not stated): ExAC 0.00001; gnomAD exomes 0.00001; gnomAD 0.00002; TOPMed 0.00003; ESP Exome Variant Server 0.00008.
gnomAD v4.1: 12 of 1,588,644 alleles (0.00076%); highest among the groups gnomAD compares: Non-Finnish European, 0.001%; no homozygotes.

Submissions (9):

PreventionGenetics, part of Exact Sciences
Classification: Uncertain significance for TTN-related condition. Last evaluated: 2025-10-22. Review status: criteria provided, single submitter. Criteria: ACMG Guidelines, 2015. Collection method: clinical testing. Allele origin: germline.
Comment: The TTN c.34721T>C variant is predicted to result in the amino acid substitution p.Ile11574Thr. To our knowledge, this variant has not been reported in the literature or in a large population database (gnomAD), indicating this variant is rare. At this time, the clinical significance of this variant is uncertain due to the absence of conclusive functional and genetic evidence.

Fulgent Genetics
Classification: Uncertain significance for Tibial muscular dystrophy; Myopathy, myofibrillar, 9, with early respiratory failure; Dilated cardiomyopathy 1G; Autosomal recessive limb-girdle muscular dystrophy type 2J; Early-onset myopathy with fatal cardiomyopathy; Hypertrophic cardiomyopathy 9. Last evaluated: 2021-11-22. Review status: criteria provided, single submitter. Criteria: ACMG Guidelines, 2015. Collection method: clinical testing. Allele origin: unknown.

Mayo Clinic Laboratories, Mayo Clinic
Classification: Uncertain significance. Last evaluated: 2020-08-31. Review status: criteria provided, single submitter. Criteria: ACMG Guidelines, 2015. Collection method: clinical testing. Allele origin: germline. Observed: 1 variant allele.

Illumina Laboratory Services, Illumina
Classification: Uncertain significance for Dilated cardiomyopathy 1G. Last evaluated: 2018-01-12. Review status: criteria provided, single submitter. Criteria: ICSL Variant Classification Criteria 13 December 2019. Collection method: clinical testing. Allele origin: germline.

Illumina Laboratory Services, Illumina
Classification: Uncertain significance for Myopathy, myofibrillar, 9, with early respiratory failure. Last evaluated: 2018-01-12. Review status: criteria provided, single submitter. Criteria: ICSL Variant Classification Criteria 13 December 2019. Collection method: clinical testing. Allele origin: germline.

Illumina Laboratory Services, Illumina
Classification: Uncertain significance for Tibial muscular dystrophy. Last evaluated: 2018-01-12. Review status: criteria provided, single submitter. Criteria: ICSL Variant Classification Criteria 13 December 2019. Collection method: clinical testing. Allele origin: germline.

Illumina Laboratory Services, Illumina
Classification: Uncertain significance for Early-onset myopathy with fatal cardiomyopathy. Last evaluated: 2018-01-12. Review status: criteria provided, single submitter. Criteria: ICSL Variant Classification Criteria 13 December 2019. Collection method: clinical testing. Allele origin: germline.

Illumina Laboratory Services, Illumina
Classification: Uncertain significance for Autosomal recessive limb-girdle muscular dystrophy type 2J. Last evaluated: 2018-01-12. Review status: criteria provided, single submitter. Criteria: ICSL Variant Classification Criteria 13 December 2019. Collection method: clinical testing. Allele origin: germline.

GeneDx
Classification: Uncertain significance. Last evaluated: 2013-04-11. Review status: criteria provided, single submitter. Criteria: GeneDx Variant Classification (06012015). Collection method: clinical testing. Allele origin: germline. Affected: yes.
Comment: Missense variants in the TTN gene are considered 'unclassified' if they are not previously reported in the literature and do not have >1% frequency in the population to be considered a polymorphism. Research indicates that truncating mutations in the TTN gene are expected to account for approximately 25% of familial and 18% of sporadic idiopathic DCM; however, truncating variants in the TTN gene have been reported in approximately 3% of reported control alleles. There has been little investigation into non-truncating variants. (Herman D et al. Truncations of titin causing dilated cardiomyopathy. N Eng J Med 366:619-628, 2012) The variant is found in DCM panel(s).

NM_001267550.2(TTN):c.34721T>C (p.Ile11574Thr)

Gene: TTN (titin; minus strand). Cytogenetic location: 2q31.2.
Variant type: single nucleotide variant.
Coding change: c.34721T>C on transcript NM_001267550.2 (MANE Select); coding-DNA position 34721, T replaced by C.
Protein change: p.Ile11574Thr; replaces isoleucine 11574 with threonine.
Molecular consequence: missense variant. On other transcripts: intron variant (3).
Genome position (GRCh38, 1-based): chr2:178,673,698, A>G on the plus strand (T>C on the coding strand, the complement: TTN is on the minus strand). VCF-style: chr2-178673698-A-G. GRCh37 (hg19) VCF-style: chr2-179538425-A-G.
Other names: p.I11200T:ATT>ACT; c.33599T>C, p.Ile11200Thr (NM_001256850.1); c.30818T>C, p.Ile10273Thr (NM_133378.4); c.13283-31381T>C (NM_003319.4); c.13859-31381T>C (NM_133437.4); c.13658-31381T>C (NM_133432.3); short protein forms I11200T, I11574T, I10273T.
Identifiers: ClinVar variation 202589 (VCV000202589.12), dbSNP rs368157806, ClinGen allele CA309683.